The following is an entry in ClinVar:

NM_001127222.2(CACNA1A):c.5248C>G (p.Arg1750Gly)

Gene: CACNA1A (calcium voltage-gated channel subunit alpha1 A; minus strand). Cytogenetic location: 19p13.13.
Variant type: single nucleotide variant.
Coding change: c.5248C>G on transcript NM_001127222.2 (MANE Select); coding-DNA position 5248, C replaced by G.
Protein change: p.Arg1750Gly; replaces arginine 1750 with glycine.
Molecular consequence: missense variant.
Genome position (GRCh38, 1-based): chr19:13,234,922, G>C on the plus strand (C>G on the coding strand, the complement: CACNA1A is on the minus strand). VCF-style: chr19-13234922-G-C. GRCh37 (hg19) VCF-style: chr19-13345736-G-C.
Other names: c.5266C>G, p.Arg1756Gly (NM_000068.4, NM_023035.3); c.5251C>G, p.Arg1751Gly (NM_001127221.2); c.5257C>G, p.Arg1753Gly (NM_001174080.2); short protein forms R1756G, R1750G, R1751G, R1753G.
Identifiers: ClinVar variation 2945270 (VCV002945270.3), dbSNP rs1568446845, ClinGen allele CA404335517.
Genomic context (GRCh38, chr19:13,234,922, plus strand): 5'-ATGAAGGCAGGCACCCCACCCCACGGAAACAGAATTATCAGAGCAGGTCCCCTTCTCACC[G>C]GAAGAGAAGCATGAGGGCCTGGAAGAAGGTCCGGAAGTTATTGTGCTCAGTGATTTGGAA-3'
Protein context (NP_001120694.1, residues 1740-1760): TFFQALMLLF[Arg1750Gly]SATGEAWHNI

ClinVar aggregate classification (germline): Uncertain significance (1 of 4 stars; one submission).

Conditions:
Episodic ataxia type 2 (EA2). Also called: CEREBELLAR ATAXIA, PAROXYSMAL, ACETAZOLAMIDE-RESPONSIVE; CEREBELLOPATHY, HEREDITARY PAROXYSMAL; EPISODIC ATAXIA, NYSTAGMUS-ASSOCIATED; ACETAZOLAMIDE-RESPONSIVE HEREDITARY PAROXYSMAL CEREBELLAR ATAXIA; ATAXIA, EPISODIC, WITH NYSTAGMUS; ATAXIA, FAMILIAL PAROXYSMAL. Identifiers: Orphanet 97, MedGen C1720416, MONDO:0007163, OMIM 108500.
Developmental and epileptic encephalopathy, 42 (DEE42A). Also called: Epileptic encephalopathy, early infantile, 42; DEVELOPMENTAL AND EPILEPTIC ENCEPHALOPATHY 42A; EPILEPTIC ENCEPHALOPATHY, EARLY INFANTILE, 42A. Identifiers: MedGen C4310716, MONDO:0014917, OMIM 617106.

Submission:

Labcorp Genetics (formerly Invitae), Labcorp
Classification: Uncertain significance for Developmental and epileptic encephalopathy, 42; Episodic ataxia type 2. Last evaluated: 2023-03-13. Review status: criteria provided, single submitter. Criteria: Invitae Variant Classification Sherloc (09022015). Collection method: clinical testing. Allele origin: germline.
Comment: In summary, the available evidence is currently insufficient to determine the role of this variant in disease. Therefore, it has been classified as a Variant of Uncertain Significance. An algorithm developed to predict the effect of missense changes on protein structure and function (PolyPhen-2) suggests that this variant is likely to be disruptive. This variant has not been reported in the literature in individuals affected with CACNA1A-related conditions. This variant is not present in population databases (gnomAD no frequency). This sequence change replaces arginine, which is basic and polar, with glycine, which is neutral and non-polar, at codon 1751 of the CACNA1A protein (p.Arg1751Gly).